The following is an entry in ClinVar:

NM_013275.6(ANKRD11):c.6085G>A (p.Val2029Ile)

Gene: ANKRD11 (ankyrin repeat domain 11; minus strand). Cytogenetic location: 16q24.3.
Variant type: single nucleotide variant.
Coding change: c.6085G>A on transcript NM_013275.6 (MANE Select); coding-DNA position 6085, G replaced by A.
Protein change: p.Val2029Ile; replaces valine 2029 with isoleucine.
Molecular consequence: missense variant.
Genome position (GRCh38, 1-based): chr16:89,280,457, C>T on the plus strand (G>A on the coding strand, the complement: ANKRD11 is on the minus strand). VCF-style: chr16-89280457-C-T. GRCh37 (hg19) VCF-style: chr16-89346865-C-T.
Other names: c.6085G>A (NM_013275.4); c.6085G>A, p.Val2029Ile (NM_001256182.2, NM_001256183.2); short protein forms V2029I.
Identifiers: ClinVar variation 800193 (VCV000800193.22), dbSNP rs199785661, ClinGen allele CA8241597.

ClinVar aggregate classification (germline): Benign/Likely benign. Review status: criteria provided, multiple submitters, no conflicts (2 of 4 stars). 9 submissions from 9 submitters: Benign (4); Likely benign (4). 1 of the submissions does not count toward it. Last evaluated 2026-05-01.

Conditions:
KBG syndrome (KBGS). Also called: ANKRD11-Related KBG Syndrome. Identifiers: Orphanet 2332, MedGen C0220687, MONDO:0007846, OMIM 148050.
Inborn genetic diseases. Identifiers: MedGen C0950123, MeSH D030342.
ANKRD11-related disorder. Also called: ANKRD11-related condition.

Allele frequency attached by ClinVar (database versions not stated): ESP Exome Variant Server 0.00010; TOPMed 0.00022; gnomAD 0.00003.
gnomAD v4.1: 303 of 1,591,222 alleles (0.019%); highest among the groups gnomAD compares: South Asian, 0.047%; no homozygotes.

Submissions (9):

CeGaT Center for Human Genetics Tuebingen
Classification: Likely benign. Last evaluated: 2026-05-01. Review status: criteria provided, single submitter. Criteria: CeGaT Center For Human Genetics Tuebingen Variant Classification Criteria Version 2. Collection method: clinical testing. Allele origin: germline. Affected: yes. Observed: 1 variant allele.
Comment: ANKRD11: BP4, BS1

Labcorp Genetics (formerly Invitae), Labcorp
Classification: Benign for KBG syndrome. Last evaluated: 2025-12-06. Review status: criteria provided, single submitter. Criteria: Invitae Variant Classification Sherloc (09022015). Collection method: clinical testing. Allele origin: germline.

Blueprint Genetics
Classification: Likely benign. Last evaluated: 2024-07-02. Review status: criteria provided, single submitter. Criteria: ACMG Guidelines, 2015. Collection method: clinical testing. Allele origin: germline.

Ambry Genetics
Classification: Likely benign for Inborn genetic diseases. Last evaluated: 2022-07-12. Review status: criteria provided, single submitter. Criteria: Ambry Variant Classification Scheme 2023. Collection method: clinical testing. Allele origin: germline.

Fulgent Genetics
Classification: Likely benign for KBG syndrome. Last evaluated: 2022-05-20. Review status: criteria provided, single submitter. Criteria: ACMG Guidelines, 2015. Collection method: clinical testing. Allele origin: unknown.

Genome-Nilou Lab
Classification: Benign for KBG syndrome. Last evaluated: 2021-12-05. Review status: criteria provided, single submitter. Criteria: ACMG Guidelines, 2015. Collection method: clinical testing. Allele origin: germline. Affected: no.

GeneDx
Classification: Benign. Last evaluated: 2021-02-02. Review status: criteria provided, single submitter. Criteria: GeneDx Variant Classification Process June 2021. Collection method: clinical testing. Allele origin: germline. Affected: yes.

Breakthrough Genomics
Classification: Benign. Review status: criteria provided, single submitter. Criteria: ACMG Guidelines, 2015. Collection method: not provided. Allele origin: germline. Inheritance: Autosomal dominant inheritance. Affected: yes.

PreventionGenetics, part of Exact Sciences
Classification: Benign for ANKRD11-related condition. Last evaluated: 2020-07-14. Review status: no assertion criteria provided. Collection method: clinical testing. Allele origin: germline. Not counted in ClinVar's aggregate classification.
Comment: This variant is classified as benign based on ACMG/AMP sequence variant interpretation guidelines (Richards et al. 2015 PMID: 25741868, with internal and published modifications).